The following is an entry in ClinVar:

NM_001378454.1(ALMS1):c.10213+22C>T

Gene: ALMS1 (ALMS1 centrosome and basal body associated protein; plus strand). Cytogenetic location: 2p13.1.
Variant type: single nucleotide variant.
Coding change: c.10213+22C>T on transcript NM_001378454.1 (MANE Select); 22 bases into the intron after coding-DNA position 10213, C replaced by T.
Molecular consequence: intron variant.
Genome position (GRCh38, 1-based): chr2:73,557,376, C>T. VCF-style: chr2-73557376-C-T. GRCh37 (hg19) VCF-style: chr2-73784503-C-T.
Other names: c.10213+22C>T (NM_015120.4); c.10216+22C>T (NM_015120.4).
Identifiers: ClinVar variation 677828 (VCV000677828.2), dbSNP rs78983290, ClinGen allele CA1714917.

ClinVar aggregate classification (germline): Likely benign. Review status: criteria provided, multiple submitters, no conflicts (2 of 4 stars). 2 submissions from 2 submitters: Likely benign (2). Last evaluated 2018-06-14.

Allele frequency attached by ClinVar (database versions not stated): gnomAD exomes 0.00105 and 0.00287; ExAC 0.00338; gnomAD 0.01129 and 0.01216; ESP Exome Variant Server 0.01176; 1000 Genomes Project 0.01258; TOPMed 0.01285; 1000 Genomes Project 30x 0.01359.
gnomAD v4.1: 3,320 of 1,613,696 alleles (0.21%); highest among the groups gnomAD compares: African/African-American, 3.8%; 58 homozygotes.

Submissions (2):

GeneDx
Classification: Likely benign. Last evaluated: 2018-06-14. Review status: criteria provided, single submitter. Criteria: GeneDx Variant Classification (06012015). Collection method: clinical testing. Allele origin: germline. Affected: yes.
Comment: This variant is considered likely benign or benign based on one or more of the following criteria: it is a conservative change, it occurs at a poorly conserved position in the protein, it is predicted to be benign by multiple in silico algorithms, and/or has population frequency not consistent with disease.

Breakthrough Genomics
Classification: Likely benign. Review status: criteria provided, single submitter. Criteria: ACMG Guidelines, 2015. Collection method: not provided. Allele origin: germline. Inheritance: Autosomal recessive inheritance. Affected: yes.